The following is an entry in ClinVar:

NM_176869.3(PPA2):c.877G>A (p.Val293Met)

Gene: PPA2 (inorganic pyrophosphatase 2; minus strand). Cytogenetic location: 4q24.
Variant type: single nucleotide variant.
Coding change: c.877G>A on transcript NM_176869.3 (MANE Select); coding-DNA position 877, G replaced by A.
Protein change: p.Val293Met; replaces valine 293 with methionine.
Molecular consequence: missense variant.
Genome position (GRCh38, 1-based): chr4:105,386,629, C>T on the plus strand (G>A on the coding strand, the complement: PPA2 is on the minus strand). VCF-style: chr4-105386629-C-T. GRCh37 (hg19) VCF-style: chr4-106307786-C-T.
Other names: c.790G>A, p.Val264Met (NM_006903.4); c.571G>A, p.Val191Met (NM_176866.2); c.379G>A, p.Val127Met (NM_176867.3); c.877G>A (NM_176869.2); short protein forms V191M, V127M, V264M, V293M.
Identifiers: ClinVar variation 2190207 (VCV002190207.4), dbSNP rs765867575, ClinGen allele CA3032377.

ClinVar aggregate classification (germline): Conflicting classifications of pathogenicity. Review status: criteria provided, conflicting classifications (1 of 4 stars). 2 submissions from 2 submitters: Uncertain significance (1); Likely benign (1). Last evaluated 2024-12-04.

Conditions:
Inborn genetic diseases. Identifiers: MedGen C0950123, MeSH D030342.

Allele frequency attached by ClinVar (database versions not stated): gnomAD 0.00001; TOPMed 0.00002; ExAC 0.00008.

Submissions (2):

Ambry Genetics
Classification: Likely benign for Inborn genetic diseases. Last evaluated: 2024-12-04. Review status: criteria provided, single submitter. Criteria: Ambry Variant Classification Scheme 2023. Collection method: clinical testing. Allele origin: germline.

Labcorp Genetics (formerly Invitae), Labcorp
Classification: Uncertain significance. Last evaluated: 2023-11-27. Review status: criteria provided, single submitter. Criteria: Invitae Variant Classification Sherloc (09022015). Collection method: clinical testing. Allele origin: germline.
Comment: This sequence change replaces valine, which is neutral and non-polar, with methionine, which is neutral and non-polar, at codon 293 of the PPA2 protein (p.Val293Met). This variant is present in population databases (rs765867575, gnomAD 0.06%). This variant has not been reported in the literature in individuals affected with PPA2-related conditions. ClinVar contains an entry for this variant (Variation ID: 2190207). Advanced modeling of protein sequence and biophysical properties (such as structural, functional, and spatial information, amino acid conservation, physicochemical variation, residue mobility, and thermodynamic stability) performed at Invitae indicates that this missense variant is not expected to disrupt PPA2 protein function with a negative predictive value of 80%. In summary, the available evidence is currently insufficient to determine the role of this variant in disease. Therefore, it has been classified as a Variant of Uncertain Significance.